The following is an entry in ClinVar:

ClinVar aggregate classification (germline): Uncertain significance (1 of 4 stars; one submission).

Submission:

Labcorp Genetics (formerly Invitae), Labcorp
Classification: Uncertain significance. Last evaluated: 2022-03-18. Review status: criteria provided, single submitter. Criteria: Invitae Variant Classification Sherloc (09022015). Collection method: clinical testing. Allele origin: germline.
Comment: This sequence change replaces glycine, which is neutral and non-polar, with arginine, which is basic and polar, at codon 671 of the HGF protein (p.Gly671Arg). This variant is not present in population databases (gnomAD no frequency). This variant has not been reported in the literature in individuals affected with HGF-related conditions. Algorithms developed to predict the effect of missense changes on protein structure and function are either unavailable or do not agree on the potential impact of this missense change (SIFT: "Not Available"; PolyPhen-2: "Benign"; Align-GVGD: "Not Available"). In summary, the available evidence is currently insufficient to determine the role of this variant in disease. Therefore, it has been classified as a Variant of Uncertain Significance.

NM_000601.6(HGF):c.2011G>C (p.Gly671Arg)

Gene: HGF (hepatocyte growth factor; minus strand). Cytogenetic location: 7q21.11.
Variant type: single nucleotide variant.
Coding change: c.2011G>C on transcript NM_000601.6 (MANE Select); coding-DNA position 2011, G replaced by C.
Protein change: p.Gly671Arg; replaces glycine 671 with arginine.
Molecular consequence: missense variant.
Genome position (GRCh38, 1-based): chr7:81,702,757, C>G on the plus strand (G>C on the coding strand, the complement: HGF is on the minus strand). VCF-style: chr7-81702757-C-G. GRCh37 (hg19) VCF-style: chr7-81332073-C-G.
Other names: c.1996G>C, p.Gly666Arg (NM_001010932.3); short protein forms G666R, G671R.
Identifiers: ClinVar variation 2055967 (VCV002055967.4), dbSNP rs2115743102, ClinGen allele CA367872017.
Genomic context (GRCh38, chr7:81,702,757, plus strand): 5'-TGACACCAAGAACCATTCTCATTTTATGTTGCTCACAAACAAGTGGGCCACCATAATCCC[C>G]CTAGGAGTAAGACATACAAAAACAAAGTATTATTAGGAATTAAAAAAAAGCTCATTAACA-3'
Protein context (NP_000592.3, residues 661-681): AEKIGSGPCE[Gly671Arg]DYGGPLVCEQ